The following is an entry in ClinVar:

NM_000090.4(COL3A1):c.3403C>A (p.Pro1135Thr)

Gene: COL3A1 (collagen type III alpha 1 chain; plus strand). Cytogenetic location: 2q32.2.
Variant type: single nucleotide variant.
Coding change: c.3403C>A on transcript NM_000090.4 (MANE Select); coding-DNA position 3403, C replaced by A.
Protein change: p.Pro1135Thr; replaces proline 1135 with threonine.
Molecular consequence: missense variant.
Genome position (GRCh38, 1-based): chr2:189,007,924, C>A. VCF-style: chr2-189007924-C-A. GRCh37 (hg19) VCF-style: chr2-189872650-C-A.
Other names: short protein forms P1135T.
Identifiers: ClinVar variation 3074544 (VCV003074544.1), dbSNP rs2469163075, ClinGen allele CA349846174.
Genomic context (GRCh38, chr2:189,007,924, plus strand): 5'-GTACACTTCCTTTCTTTCCAGGGCCCTGCTGGTCAGCAGGGTGCAATCGGCAGTCCAGGA[C>A]CTGCAGGCCCCAGAGTAAGTAGCACAGAAAGATATTACAGGTCCACATGTTTCAGATGTC-3'
Protein context (NP_000081.2, residues 1125-1145): GQQGAIGSPG[Pro1135Thr]AGPRGPVGPS

ClinVar aggregate classification (germline): Uncertain significance (1 of 4 stars; one submission).

Conditions:
Ehlers-Danlos syndrome, type 4 (EDSVASC). Also called: Ehlers-Danlos Syndrome Type IV; Ehlers-Danlos syndrome vascular type; Ehlers Danlos syndrome, ecchymotic type; Ehlers Danlos syndrome, arterial type; Ehlers Danlos syndrome, Sack-Barabas type. Identifiers: Orphanet 286, MedGen C0268338, MONDO:0017314, OMIM 130050.

Submission:

All of Us Research Program, National Institutes of Health
Classification: Uncertain significance for Ehlers-Danlos syndrome, type 4. Last evaluated: 2023-11-20. Review status: criteria provided, single submitter. Criteria: ACMG Guidelines, 2015. Collection method: clinical testing. Allele origin: germline. Inheritance: Autosomal dominant inheritance. Observed: 1 variant allele, 1 heterozygote.
Comment: This missense variant replaces proline with threonine at codon 1135 of the COL3A1 protein. Computational prediction is inconclusive regarding the impact of this variant on protein structure and function (internally defined REVEL score threshold 0.5 < inconclusive < 0.7, PMID: 27666373). To our knowledge, functional studies have not been reported for this variant. This variant has not been reported in individuals affected with COL3A1-related disorders in the literature. This variant has not been identified in the general population by the Genome Aggregation Database (gnomAD). The available evidence is insufficient to determine the role of this variant in disease conclusively. Therefore, this variant is classified as a Variant of Uncertain Significance.

This study involves interpretation of variants in research participants for the purpose of population health screening. Participant phenotype was not available at the time of variant classification. Additional details can be found in publication PMID: 35346344, PMCID: PMC8962531